The following is an entry in ClinVar:

ClinVar aggregate classification (germline): Uncertain significance (1 of 4 stars; one submission).

Conditions:
Dyskeratosis congenita, autosomal recessive 6 (DKCB6). Identifiers: MedGen C4225356, MONDO:0014600, OMIM 616353.
Pulmonary fibrosis and/or bone marrow failure, Telomere-related, 4. Also called: PULMONARY FIBROSIS AND/OR BONE MARROW FAILURE SYNDROME, TELOMERE-RELATED, 4. Identifiers: MONDO:0014612, OMIM 616371, Orphanet 2032, MedGen C4225347.

Allele frequency attached by ClinVar (database versions not stated): gnomAD exomes below 0.00001; TOPMed below 0.00001.
gnomAD v4.1: 1 of 1,613,822 alleles (0.000062%); highest among the groups gnomAD compares: Non-Finnish European, 0.000085%; no homozygotes.

Submission:

Labcorp Genetics (formerly Invitae), Labcorp
Classification: Uncertain significance for Dyskeratosis congenita, autosomal recessive 6; Pulmonary fibrosis and/or bone marrow failure, Telomere-related, 4. Last evaluated: 2025-01-29. Review status: criteria provided, single submitter. Criteria: Invitae Variant Classification Sherloc (09022015). Collection method: clinical testing. Allele origin: germline.
Comment: This sequence change replaces lysine, which is basic and polar, with arginine, which is basic and polar, at codon 566 of the PARN protein (p.Lys566Arg). This variant is not present in population databases (gnomAD no frequency). This variant has not been reported in the literature in individuals affected with PARN-related conditions. ClinVar contains an entry for this variant (Variation ID: 582194). An algorithm developed to predict the effect of missense changes on protein structure and function (PolyPhen-2) suggests that this variant is likely to be disruptive. In summary, the available evidence is currently insufficient to determine the role of this variant in disease. Therefore, it has been classified as a Variant of Uncertain Significance.

NM_002582.4(PARN):c.1697A>G (p.Lys566Arg)

Gene: PARN (poly(A)-specific ribonuclease; minus strand). Cytogenetic location: 16p13.12.
Variant type: single nucleotide variant.
Coding change: c.1697A>G on transcript NM_002582.4 (MANE Select); coding-DNA position 1697, A replaced by G.
Protein change: p.Lys566Arg; replaces lysine 566 with arginine.
Molecular consequence: missense variant.
Genome position (GRCh38, 1-based): chr16:14,447,055, T>C on the plus strand (A>G on the coding strand, the complement: PARN is on the minus strand). VCF-style: chr16-14447055-T-C. GRCh37 (hg19) VCF-style: chr16-14540912-T-C.
Other names: c.1514A>G, p.Lys505Arg (NM_001134477.3); c.1559A>G, p.Lys520Arg (NM_001242992.2); c.1697A>G, p.Lys566Arg (LRG_1286t1); short protein forms K566R, K505R, K520R.
Identifiers: ClinVar variation 582194 (VCV000582194.10), dbSNP rs1567284498, ClinGen allele CA395184573.